The following is an entry in ClinVar:

NM_201548.5(CERKL):c.317G>A (p.Arg106His)

Gene: CERKL (CERK like autophagy regulator; minus strand). Cytogenetic location: 2q31.3.
Variant type: single nucleotide variant.
Coding change: c.317G>A on transcript NM_201548.5 (MANE Select); coding-DNA position 317, G replaced by A.
Protein change: p.Arg106His; replaces arginine 106 with histidine.
Molecular consequence: missense variant. On other transcripts: non-coding transcript variant (2).
Genome position (GRCh38, 1-based): chr2:181,604,001, C>T on the plus strand (G>A on the coding strand, the complement: CERKL is on the minus strand). VCF-style: chr2-181604001-C-T. GRCh37 (hg19) VCF-style: chr2-182468728-C-T.
Other names: c.317G>A (NM_001030311.2); c.317G>A, p.Arg106His (NM_001030311.3, NM_001030312.3, NM_001030313.3 and 3 more transcripts); short protein forms R106H.
Identifiers: ClinVar variation 2075822 (VCV002075822.4), dbSNP rs371438602, ClinGen allele CA2010864.

ClinVar aggregate classification (germline): Conflicting classifications of pathogenicity. Review status: criteria provided, conflicting classifications (1 of 4 stars). 3 submissions from 3 submitters: Likely pathogenic (1); Uncertain significance (1). 1 of the submissions does not count toward it. Last evaluated 2024-10-16.

Conditions:
CERKL-related disorders.
CERKL-related disorder. Also called: CERKL-related condition.

Allele frequency attached by ClinVar (database versions not stated): ExAC 0.00003; gnomAD 0.00003; TOPMed 0.00006; ESP Exome Variant Server 0.00008; 1000 Genomes Project 30x 0.00016.

Submissions (3):

Labcorp Genetics (formerly Invitae), Labcorp
Classification: Uncertain significance. Last evaluated: 2024-10-16. Review status: criteria provided, single submitter. Criteria: Invitae Variant Classification Sherloc (09022015). Collection method: clinical testing. Allele origin: germline.
Comment: This sequence change replaces arginine, which is basic and polar, with histidine, which is basic and polar, at codon 106 of the CERKL protein (p.Arg106His). This variant is present in population databases (rs371438602, gnomAD 0.008%). This missense change has been observed in individual(s) with clinical features of CERKL-related conditions (PMID: 35119454). ClinVar contains an entry for this variant (Variation ID: 2075822). Invitae Evidence Modeling of protein sequence and biophysical properties (such as structural, functional, and spatial information, amino acid conservation, physicochemical variation, residue mobility, and thermodynamic stability) has been performed for this missense variant. However, the output from this modeling did not meet the statistical confidence thresholds required to predict the impact of this variant on CERKL protein function. This variant disrupts the p.Arg106 amino acid residue in CERKL. Other variant(s) that disrupt this residue have been determined to be pathogenic (PMID: 18978954, 28838317; internal data). This suggests that this residue is clinically significant, and that variants that disrupt this residue are likely to be disease-causing. In summary, the available evidence is currently insufficient to determine the role of this variant in disease. Therefore, it has been classified as a Variant of Uncertain Significance.

Blueprint Genetics
Classification: Likely pathogenic for CERKL-related disorders. Last evaluated: 2019-08-29. Review status: criteria provided, single submitter. Criteria: ACMG Guidelines, 2015. Collection method: clinical testing. Allele origin: germline. Affected: yes. Observed: 4 variant alleles.

PreventionGenetics, part of Exact Sciences
Classification: Likely pathogenic for CERKL-related condition. Last evaluated: 2024-09-27. Review status: no assertion criteria provided. Collection method: clinical testing. Allele origin: germline. Not counted in ClinVar's aggregate classification.
Comment: The CERKL c.317G>A variant is predicted to result in the amino acid substitution p.Arg106His. This variant has been reported in the homozygous state in an individual with cone-rod dystrophy (Table S2, Del Pozo-Valero et al. 2022. PubMed ID: 35119454). This variant is reported in 0.0080% of alleles in individuals of African descent in gnomAD. This variant is interpreted as likely pathogenic.

Literature cited by the submitters: PubMed 35119454 (cited by Labcorp Genetics (formerly Invitae), Labcorp); PubMed 18978954 (cited by Labcorp Genetics (formerly Invitae), Labcorp); PubMed 28838317 (cited by Labcorp Genetics (formerly Invitae), Labcorp).